The following is an entry in ClinVar:

NM_017636.4(TRPM4):c.386T>A (p.Val129Asp)

Gene: TRPM4 (transient receptor potential cation channel subfamily M member 4; plus strand). Cytogenetic location: 19q13.33.
Variant type: single nucleotide variant.
Coding change: c.386T>A on transcript NM_017636.4 (MANE Select); coding-DNA position 386, T replaced by A.
Protein change: p.Val129Asp; replaces valine 129 with aspartic acid.
Molecular consequence: missense variant. On other transcripts: intron variant (4).
Genome position (GRCh38, 1-based): chr19:49,168,035, T>A. VCF-style: chr19-49168035-T-A. GRCh37 (hg19) VCF-style: chr19-49671292-T-A.
Other names: c.386T>A, p.Val129Asp (NM_001195227.2); c.-1105-225T>A (NM_001321282.2); c.268-518T>A (NM_001321281.2); c.-74-225T>A (NM_001321283.2); c.-237-518T>A (NM_001321285.2); short protein forms V129D.
Identifiers: ClinVar variation 1404915 (VCV001404915.8), dbSNP rs962656502, ClinGen allele CA406790414.

ClinVar aggregate classification (germline): Uncertain significance (1 of 4 stars; one submission).

Conditions:
Progressive familial heart block type IB (PFHB1B). Identifiers: Orphanet 871, MedGen C1970298, MONDO:0011474, OMIM 604559.

Submission:

Labcorp Genetics (formerly Invitae), Labcorp
Classification: Uncertain significance for Progressive familial heart block type IB. Last evaluated: 2021-01-31. Review status: criteria provided, single submitter. Criteria: Invitae Variant Classification Sherloc (09022015). Collection method: clinical testing. Allele origin: germline.
Comment: In summary, the available evidence is currently insufficient to determine the role of this variant in disease. Therefore, it has been classified as a Variant of Uncertain Significance. Algorithms developed to predict the effect of missense changes on protein structure and function (SIFT, PolyPhen-2, Align-GVGD) all suggest that this variant is likely to be tolerated, but these predictions have not been confirmed by published functional studies and their clinical significance is uncertain. This variant has not been reported in the literature in individuals with TRPM4-related conditions. This variant is not present in population databases (ExAC no frequency). This sequence change replaces valine with aspartic acid at codon 129 of the TRPM4 protein (p.Val129Asp). The valine residue is weakly conserved and there is a large physicochemical difference between valine and aspartic acid.